The following is an entry in ClinVar:

ClinVar aggregate classification (germline): Uncertain significance (1 of 4 stars; one submission).

Submission:

GeneDx
Classification: Uncertain significance. Last evaluated: 2025-04-11. Review status: criteria provided, single submitter. Criteria: GeneDx Variant Classification Process June 2021. Collection method: clinical testing. Allele origin: germline. Affected: yes.
Comment: Not observed at significant frequency in large population cohorts (gnomAD); In silico analysis supports that this missense variant has a deleterious effect on protein structure/function; Has not been previously published as pathogenic or benign to our knowledge

NM_006236.3(POU3F3):c.1373G>C (p.Arg458Pro)

Gene: POU3F3 (POU class 3 homeobox 3; plus strand). Cytogenetic location: 2q12.1.
Variant type: single nucleotide variant.
Coding change: c.1373G>C on transcript NM_006236.3 (MANE Select); coding-DNA position 1373, G replaced by C.
Protein change: p.Arg458Pro; replaces arginine 458 with proline.
Molecular consequence: missense variant.
Genome position (GRCh38, 1-based): chr2:104,856,883, G>C. VCF-style: chr2-104856883-G-C. GRCh37 (hg19) VCF-style: chr2-105473341-G-C.
Other names: short protein forms R458P.
Identifiers: ClinVar variation 3371517 (VCV003371517.2).
Genomic context (GRCh38, chr2:104,856,883, plus strand): 5'-ACCTGGCCGACAGCCTGCAGCTCGAGAAGGAGGTGGTGCGGGTCTGGTTCTGCAATCGGC[G>C]CCAAAAGGAGAAGCGCATGACGCCGCCCGGGATCCAACAGCAGACGCCCGACGACGTCTA-3'
Protein context (NP_006227.1, residues 448-468): EVVRVWFCNR[Arg458Pro]QKEKRMTPPG